The following is an entry in ClinVar:

ClinVar aggregate classification (germline): Uncertain significance. Review status: criteria provided, multiple submitters, no conflicts (2 of 4 stars). 3 submissions from 3 submitters: Uncertain significance (3). Last evaluated 2025-09-14.

Conditions:
Cardiovascular phenotype. Identifiers: MedGen CN230736.
Ehlers-Danlos syndrome, classic type, 1 (EDSCL1). Also called: EHLERS-DANLOS SYNDROME, GRAVIS TYPE; EHLERS-DANLOS SYNDROME, SEVERE CLASSIC TYPE; Ehlers-Danlos syndrome, type 1; Ehlers-Danlos Syndrome, Classic Type, COL5A1-Related; EDS I. Identifiers: MedGen C0268335, MONDO:0019567, OMIM 130000.
Osteogenesis imperfecta type I (OI1). Also called: OI, TYPE I; OSTEOGENESIS IMPERFECTA TARDA; OSTEOGENESIS IMPERFECTA WITH BLUE SCLERAE; Osteogenesis imperfecta type 1; Lobstein's Disease; Lobstein disease. Identifiers: Orphanet 216796, Orphanet 666, MedGen C0023931, MONDO:0008146, OMIM 166200. Disease mechanism: loss of function.

Allele frequency attached by ClinVar (database versions not stated): gnomAD 0.00001; TOPMed 0.00001; gnomAD exomes below 0.00001.
gnomAD v4.1: 8 of 1,613,792 alleles (0.0005%); highest among the groups gnomAD compares: Non-Finnish European, 0.00068%; no homozygotes.

Submissions (3):

Labcorp Genetics (formerly Invitae), Labcorp
Classification: Uncertain significance for Osteogenesis imperfecta type I; Ehlers-Danlos syndrome, classic type, 1. Last evaluated: 2025-09-14. Review status: criteria provided, single submitter. Criteria: Invitae Variant Classification Sherloc (09022015). Collection method: clinical testing. Allele origin: germline.
Comment: This sequence change replaces valine, which is neutral and non-polar, with alanine, which is neutral and non-polar, at codon 225 of the COL1A2 protein (p.Val225Ala). This variant is not present in population databases (gnomAD no frequency). This variant has not been reported in the literature in individuals affected with COL1A2-related conditions. ClinVar contains an entry for this variant (Variation ID: 1480365). Invitae Evidence Modeling of protein sequence and biophysical properties (such as structural, functional, and spatial information, amino acid conservation, physicochemical variation, residue mobility, and thermodynamic stability) indicates that this missense variant is not expected to disrupt COL1A2 protein function with a negative predictive value of 95%. In summary, the available evidence is currently insufficient to determine the role of this variant in disease. Therefore, it has been classified as a Variant of Uncertain Significance.

GeneDx
Classification: Uncertain significance. Last evaluated: 2022-04-04. Review status: criteria provided, single submitter. Criteria: GeneDx Variant Classification Process June 2021. Collection method: clinical testing. Allele origin: germline. Affected: yes.
Comment: Not observed in large population cohorts (gnomAD); In silico analysis supports that this missense variant does not alter protein structure/function; Occurs in the triple helical domain at the Y position in the canonical Gly-X-Y repeat; although this variant may have an effect on normal protein folding and function, missense substitution at the Y position is not a common mechanism of disease (HGMD); Has not been previously published as pathogenic or benign to our knowledge

Ambry Genetics
Classification: Uncertain significance for Cardiovascular phenotype. Last evaluated: 2020-10-09. Review status: criteria provided, single submitter. Criteria: Ambry Variant Classification Scheme 2023. Collection method: clinical testing. Allele origin: germline.
Comment: The p.V225A variant (also known as c.674T>C), located in coding exon 14 of the COL1A2 gene, results from a T to C substitution at nucleotide position 674. The valine at codon 225 is replaced by alanine, an amino acid with similar properties. This amino acid position is not well conserved in available vertebrate species, and alanine is the reference amino acid in other vertebrate species. In addition, this alteration is predicted to be tolerated by in silico analysis. Since supporting evidence is limited at this time, the clinical significance of this alteration remains unclear.

NM_000089.4(COL1A2):c.674T>C (p.Val225Ala)

Gene: COL1A2 (collagen type I alpha 2 chain; plus strand). Cytogenetic location: 7q21.3.
Variant type: single nucleotide variant.
Coding change: c.674T>C on transcript NM_000089.4 (MANE Select); coding-DNA position 674, T replaced by C.
Protein change: p.Val225Ala; replaces valine 225 with alanine.
Molecular consequence: missense variant.
Genome position (GRCh38, 1-based): chr7:94,408,217, T>C. VCF-style: chr7-94408217-T-C. GRCh37 (hg19) VCF-style: chr7-94037529-T-C.
Other names: short protein forms V225A.
Identifiers: ClinVar variation 1480365 (VCV001480365.10), dbSNP rs1210318478, ClinGen allele CA368220288.